The following is an entry in ClinVar:

ClinVar aggregate classification (germline): Pathogenic (1 of 4 stars; one submission).

Conditions:
Severe combined immunodeficiency disease. Also called: Severe Combined Immune Deficiency; Severe combined immunodeficiency. Identifiers: Orphanet 183660, MedGen C0085110, MeSH D016511, MONDO:0015974, HP:0004430. Inheritance: X-Linked or Autosomal recessive.

Submission:

Women's Health and Genetics/Laboratory Corporation of America, LabCorp
Classification: Pathogenic for Severe combined immunodeficiency disease. Last evaluated: 2026-03-16. Review status: criteria provided, single submitter. Criteria: LabCorp Variant Classification Summary - May 2015. Collection method: clinical testing. Allele origin: germline.
Comment: Variant summary: PTPRC c.2257C>T (p.Arg753X) results in a premature termination codon, predicted to cause a truncation of the encoded protein or absence of the protein due to nonsense mediated decay, which are commonly known mechanisms for disease. The variant was absent in 249196 control chromosomes. To our knowledge, no occurrence of c.2257C>T in individuals affected with PTPRC-related conditions and no experimental evidence demonstrating its impact on protein function have been reported. No submitters have cited clinical-significance assessments for this variant to ClinVar. Based on the evidence outlined above, the variant was classified as pathogenic.

NM_002838.5(PTPRC):c.2257C>T (p.Arg753Ter)

Gene: PTPRC (protein tyrosine phosphatase receptor type C; plus strand). Cytogenetic location: 1q32.1.
Variant type: single nucleotide variant.
Coding change: c.2257C>T on transcript NM_002838.5 (MANE Select); coding-DNA position 2257, C replaced by T.
Protein change: p.Arg753Ter; replaces arginine 753 with a stop codon.
Molecular consequence: nonsense.
Genome position (GRCh38, 1-based): chr1:198,734,405, C>T. VCF-style: chr1-198734405-C-T. GRCh37 (hg19) VCF-style: chr1-198703534-C-T.
Other names: c.1774C>T, p.Arg592Ter (NM_080921.4); short protein forms R592*, R753*.
Identifiers: ClinVar variation 4847208 (VCV004847208.1).
Genomic context (GRCh38, chr1:198,734,405, plus strand): 5'-GTTGATGATTTCTGGAGGATGATTTGGGAACAGAAAGCCACAGTTATTGTCATGGTCACT[C>T]GATGTGAAGAAGGAAACAGGGTAAGAACCAAGAAGATTCATAGTGTGGGTCTTGGGGTTA-3'